The following is an entry in ClinVar:

NM_003072.5(SMARCA4):c.2854_2855delinsC (p.Glu952fs)

Gene: SMARCA4 (SWI/SNF related BAF chromatin remodeling complex subunit ATPase 4; plus strand). Cytogenetic location: 19p13.2.
Variant type: Indel.
Coding change: c.2854_2855delinsC on transcript NM_003072.5 (MANE Select); coding-DNA positions 2854 to 2855, GA replaced by C.
Protein change: p.Glu952fs; shifts the reading frame from glutamic acid 952.
Molecular consequence: frameshift variant. On other transcripts: non-coding transcript variant (1).
Genome position (GRCh38, 1-based): chr19:11,021,962-11,021,963, GA replaced by C. VCF-style: chr19-11021962-GA-C. GRCh37 (hg19) VCF-style: chr19-11132638-GA-C.
Other names: c.2854_2855delinsC, p.Glu952fs (NM_001128844.3, NM_001128845.2, NM_001128846.2 and 5 more transcripts); c.2854_2855delGAinsC, p.Glu952Glnfs (NM_001411150.1); short protein forms E952fs.
Identifiers: ClinVar variation 1796868 (VCV001796868.2), dbSNP rs2514886778, ClinGen allele CA2580096286.

ClinVar aggregate classification (germline): Pathogenic (1 of 4 stars; one submission).

Conditions:
Hereditary cancer-predisposing syndrome. Also called: Tumor predisposition; Hereditary Cancer Syndrome; Neoplastic Syndromes, Hereditary; Hereditary neoplastic syndrome. Identifiers: Orphanet 140162, MedGen C0027672, MeSH D009386, MONDO:0015356.

Submission:

Ambry Genetics
Classification: Pathogenic for Hereditary cancer-predisposing syndrome. Last evaluated: 2021-05-06. Review status: criteria provided, single submitter. Criteria: Ambry Variant Classification Scheme 2023. Collection method: clinical testing. Allele origin: germline.
Comment: The c.2854_2855delGAinsC pathogenic mutation, located in coding exon 18 of the SMARCA4 gene, results from the deletion of two nucleotides and insertion of one nucleotide causing a translational frameshift with a predicted alternate stop codon (p.E952Qfs*5). This alteration is expected to result in loss of function by premature protein truncation or nonsense-mediated mRNA decay. Loss-of-function variants in SMARCA4 are known to cause rhabdoid tumor predisposition syndrome including small cell carcinoma of the ovary-hypercalcemic type (SCCOHT); however, such associations with neurodevelopmental disorders are exceedingly rare (Kosho T et al. Am J Med Genet C Semin Med Genet. 2014 Sep;166C(3):262-75; Jelinic P et al. Nat Genet. 2014 May;46(5):424-6). Based on the supporting evidence, this alteration is pathogenic for rhabdoid tumor predisposition syndrome; however, the association of this alteration with Coffin-Siris syndrome is unlikely.